The following is an entry in ClinVar:

NM_013322.3(SNX10):c.213-20T>A

Gene: SNX10 (sorting nexin 10; plus strand). Cytogenetic location: 7p15.2.
Variant type: single nucleotide variant.
Coding change: c.213-20T>A on transcript NM_013322.3 (MANE Select); 20 bases into the intron before coding-DNA position 213, T replaced by A.
Molecular consequence: intron variant.
Genome position (GRCh38, 1-based): chr7:26,365,027, T>A. VCF-style: chr7-26365027-T-A. GRCh37 (hg19) VCF-style: chr7-26404647-T-A.
Other names: c.291-20T>A (NM_001362754.1, NM_001362753.1, NM_001318198.1); c.213-20T>A (NM_001199835.1, NM_001318199.3); c.204-20T>A (NM_001199837.3); c.-40-20T>A (NM_001199838.2).
Identifiers: ClinVar variation 2018547 (VCV002018547.4), dbSNP rs374068728, ClinGen allele CA156146129.

ClinVar aggregate classification (germline): Uncertain significance (1 of 4 stars; one submission).

gnomAD v4.1: 1 of 1,499,712 alleles (0.000067%); no homozygotes.

Submission:

Labcorp Genetics (formerly Invitae), Labcorp
Classification: Uncertain significance. Last evaluated: 2021-12-26. Review status: criteria provided, single submitter. Criteria: Invitae Variant Classification Sherloc (09022015). Collection method: clinical testing. Allele origin: germline.
Comment: This sequence change falls in intron 4 of the SNX10 gene. It does not directly change the encoded amino acid sequence of the SNX10 protein. This variant is not present in population databases (gnomAD no frequency). This variant has not been reported in the literature in individuals affected with SNX10-related conditions. Algorithms developed to predict the effect of sequence changes on RNA splicing suggest that this variant may create or strengthen a splice site. In summary, the available evidence is currently insufficient to determine the role of this variant in disease. Therefore, it has been classified as a Variant of Uncertain Significance.